The following is an entry in ClinVar:

NM_020987.5(ANK3):c.2471C>T (p.Thr824Ile)

Gene: ANK3 (ankyrin 3; minus strand). Cytogenetic location: 10q21.2.
Variant type: single nucleotide variant.
Coding change: c.2471C>T on transcript NM_020987.5 (MANE Select); coding-DNA position 2471, C replaced by T.
Protein change: p.Thr824Ile; replaces threonine 824 with isoleucine.
Molecular consequence: missense variant.
Genome position (GRCh38, 1-based): chr10:60,172,315, G>A on the plus strand (C>T on the coding strand, the complement: ANK3 is on the minus strand). VCF-style: chr10-60172315-G-A. GRCh37 (hg19) VCF-style: chr10-61932073-G-A.
Other names: c.2453C>T, p.Thr818Ile (NM_001204403.2); c.2420C>T, p.Thr807Ile (NM_001204404.2); c.2471C>T, p.Thr824Ile (NM_001320874.2); short protein forms T807I, T818I, T824I.
Identifiers: ClinVar variation 2421730 (VCV002421730.45), dbSNP rs140346169, ClinGen allele CA5512810.

ClinVar aggregate classification (germline): Conflicting classifications of pathogenicity. Review status: criteria provided, conflicting classifications (1 of 4 stars). 3 submissions from 3 submitters: Uncertain significance (2); Likely benign (1). Last evaluated 2024-09-27.

Conditions:
Inborn genetic diseases. Identifiers: MedGen C0950123, MeSH D030342.

Allele frequency attached by ClinVar (database versions not stated): gnomAD exomes 0.00001; TOPMed 0.00003; ExAC 0.00005; ESP Exome Variant Server 0.00008.
gnomAD v4.1: 25 of 1,613,510 alleles (0.0015%); highest among the groups gnomAD compares: Middle Eastern, 0.033%; no homozygotes.

Submissions (3):

Ambry Genetics
Classification: Likely benign for Inborn genetic diseases. Last evaluated: 2024-09-27. Review status: criteria provided, single submitter. Criteria: Ambry Variant Classification Scheme 2023. Collection method: clinical testing. Allele origin: germline.

Revvity Omics, Revvity
Classification: Uncertain significance. Last evaluated: 2024-08-23. Review status: criteria provided, single submitter. Criteria: ACMG Guidelines, 2015. Collection method: clinical testing. Allele origin: germline.

Labcorp Genetics (formerly Invitae), Labcorp
Classification: Uncertain significance. Last evaluated: 2022-07-30. Review status: criteria provided, single submitter. Criteria: Invitae Variant Classification Sherloc (09022015). Collection method: clinical testing. Allele origin: germline.
Comment: In summary, the available evidence is currently insufficient to determine the role of this variant in disease. Therefore, it has been classified as a Variant of Uncertain Significance. Algorithms developed to predict the effect of missense changes on protein structure and function output the following: SIFT: "Not Available"; PolyPhen-2: "Benign"; Align-GVGD: "Not Available". The isoleucine amino acid residue is found in multiple mammalian species, which suggests that this missense change does not adversely affect protein function. This variant has not been reported in the literature in individuals affected with ANK3-related conditions. This variant is present in population databases (rs140346169, gnomAD 0.03%). This sequence change replaces threonine, which is neutral and polar, with isoleucine, which is neutral and non-polar, at codon 824 of the ANK3 protein (p.Thr824Ile).